The following is an entry in ClinVar:

NM_004612.4(TGFBR1):c.52GCG[10] (p.Ala26dup)

Gene: TGFBR1 (transforming growth factor beta receptor 1; plus strand). Cytogenetic location: 9q22.33.
Variant type: Microsatellite.
Coding change: c.52GCG[10] on transcript NM_004612.4 (MANE Select); ten copies in a row of the 3-base unit GCG starting at c.52; the reference has nine copies in a row; one copy, 3 bases duplicated; also written c.76_78dup.
Protein change: p.Ala26dup; duplicates alanine 26.
Molecular consequence: inframe insertion.
Genome position (GRCh38, 1-based): chr9:99,105,281-99,105,283, GCG duplicated; duplicating any 3 consecutive bases within chr9:99,105,256-99,105,283 gives the same sequence; the position shown is the placement nearest the transcript's 3' end. VCF-style (leftmost placement, unchanged base first): chr9-99105255-T-TGGC. GRCh37 (hg19) VCF-style: chr9-101867537-T-TGGC.
Other names: p.Ala26dup; c.52GCG[10], p.Ala26dup (NM_001130916.3, NM_001306210.2); c.76_78dupGCG (NM_004612.4, NM_004612.3); c.76_78dup (NM_004612.2, NM_004612.4).
Identifiers: ClinVar variation 213864 (VCV000213864.67), dbSNP rs11466445, ClinGen allele CA320169.

ClinVar aggregate classification (germline): Conflicting classifications of pathogenicity. Review status: criteria provided, conflicting classifications (1 of 4 stars). 15 submissions from 15 submitters: Uncertain significance (1); Benign (1); Likely benign (10). 3 of the submissions do not count toward it. Last evaluated 2026-06-01.

Conditions:
TGFBR1-related disorder. Also called: TGFBR1-related condition.
Familial thoracic aortic aneurysm and aortic dissection (TAAD). Also called: Thoracic aortic aneurysms and dissections. Identifiers: Orphanet 91387, MedGen C4707243, MONDO:0019625.
Loeys-Dietz syndrome 1 (LDS1). Also called: AORTIC ANEURYSM, FAMILIAL THORACIC 5; FURLONG SYNDROME; TGFBR1-Related Loeys-Dietz Syndrome. Identifiers: Orphanet 60030, MedGen C4551955, MONDO:0012212, OMIM 609192.
Multiple self-healing squamous epithelioma (MSSE). Also called: MULTIPLE SELF-HEALING SQUAMOUS EPITHELIOMA, SUSCEPTIBILITY TO. Identifiers: Orphanet 65748, MedGen C0546476, MONDO:0007566, OMIM 132800.

Submissions (15):

CeGaT Center for Human Genetics Tuebingen
Classification: Likely benign. Last evaluated: 2026-06-01. Review status: criteria provided, single submitter. Criteria: CeGaT Center For Human Genetics Tuebingen Variant Classification Criteria Version 2. Collection method: clinical testing. Allele origin: germline. Affected: yes. Observed: 9 variant alleles.
Comment: TGFBR1: BS1

Labcorp Genetics (formerly Invitae), Labcorp
Classification: Likely benign for Familial thoracic aortic aneurysm and aortic dissection. Last evaluated: 2026-01-28. Review status: criteria provided, single submitter. Criteria: Invitae Variant Classification Sherloc (09022015). Collection method: clinical testing. Allele origin: germline.

Mayo Clinic Laboratories, Mayo Clinic
Classification: Likely benign. Last evaluated: 2025-03-05. Review status: criteria provided, single submitter. Criteria: ACMG Guidelines, 2015. Collection method: clinical testing. Allele origin: germline. Observed: 2 variant alleles.
Comment: BS1, BP3

Women's Health and Genetics/Laboratory Corporation of America, LabCorp
Classification: Likely benign. Last evaluated: 2025-02-10. Review status: criteria provided, single submitter. Criteria: LabCorp Variant Classification Summary - May 2015. Collection method: clinical testing. Allele origin: germline.
Comment: Variant summary: TGFBR1 c.76_78dupGCG (p.Ala26dup) results in an in-frame duplication that is predicted to duplicate one amino acid into the encoded protein. The variant allele was found at a frequency of 0.0013 in 1045682 control chromosomes in the gnomAD database, including 2 homozygotes. The observed variant frequency is approximately 702 fold of the estimated maximal expected allele frequency for a pathogenic variant in TGFBR1 causing Loeys-Dietz Syndrome phenotype (1.9e-06). The variant, c.76_78dupGCG, has been reported in the literature in an individual with suspected Loeys-Dietz Syndrome (example, Seo_2018), but was also found in healthy controls (Samowitz_2001, Rego_2018). These reports therefore do not provide unequivocal conclusions about association of the variant with Loeys-Dietz Syndrome. Publications also reported experimental evidence evaluating an impact on protein function, and demonstrated no damaging effect for this variant on either targeting to or translocation across the endoplasmic reticulum membrane as well as no impact on TGF-beta signaling (example, Pasche_1999, Pasche_2005). The following publications have been ascertained in the context of this evaluation (PMID: 21461994, 10582683, 16204663, 30487145, 11746979, 29768367, 19401691, 17575241, 15505640, 17613544). ClinVar contains an entry for this variant (Variation ID: 213864). Based on the evidence outlined above, the variant was classified as likely benign.

Blueprint Genetics
Classification: Likely benign. Last evaluated: 2024-11-26. Review status: criteria provided, single submitter. Criteria: ACMG Guidelines, 2015. Collection method: clinical testing. Allele origin: germline.

Athena Diagnostics
Classification: Benign. Last evaluated: 2023-10-06. Review status: criteria provided, single submitter. Criteria: Athena Diagnostics Criteria. Collection method: clinical testing. Allele origin: unknown.

Molecular Genetics, Royal Melbourne Hospital
Classification: Likely benign for Multiple self-healing squamous epithelioma. Last evaluated: 2023-05-04. Review status: criteria provided, single submitter. Criteria: ACMG Guidelines, 2015. Collection method: clinical testing. Allele origin: germline. Affected: yes.
Comment: South Asian population allele frequency is 0.1502% (rs11466445, 12/4610 alleles, 0 homozygotes in gnomAD v2.1). Based on the classification scheme RMH Modified ACMG/AMP Guidelines v1.5.1, this variant is classified as LIKELY BENIGN. Following criteria are met: BS1

GeneDx
Classification: Likely benign. Last evaluated: 2021-01-08. Review status: criteria provided, single submitter. Criteria: GeneDx Variant Classification Process June 2021. Collection method: clinical testing. Allele origin: germline. Affected: yes.
Comment: This variant is associated with the following publications: (PMID: 29768367, 30487145, 11746979, 10582683, 16204663)

Ambry Genetics
Classification: Likely benign for Familial thoracic aortic aneurysm and aortic dissection. Last evaluated: 2020-09-08. Review status: criteria provided, single submitter. Criteria: Ambry Variant Classification Scheme 2023. Collection method: clinical testing. Allele origin: germline.

Genetic Services Laboratory, University of Chicago
Classification: Uncertain significance. Last evaluated: 2019-04-17. Review status: criteria provided, single submitter. Criteria: ACMG Guidelines, 2015. Collection method: clinical testing. Allele origin: germline. Affected: no.

CHEO Genetics Diagnostic Laboratory, Children's Hospital of Eastern Ontario
Classification: Likely benign for Familial thoracic aortic aneurysm and aortic dissection. Last evaluated: 2019-01-15. Review status: criteria provided, single submitter. Criteria: ACMG Guidelines, 2015. Collection method: clinical testing. Allele origin: germline.

Eurofins Ntd Llc (ga)
Classification: Likely benign. Last evaluated: 2016-11-02. Review status: criteria provided, single submitter. Criteria: EGL Classification Definitions 2015. Collection method: clinical testing. Allele origin: germline. Observed: 1 variant allele, 1 heterozygote.

PreventionGenetics, part of Exact Sciences
Classification: Likely benign for TGFBR1-related condition. Last evaluated: 2020-03-11. Review status: no assertion criteria provided. Collection method: clinical testing. Allele origin: germline. Not counted in ClinVar's aggregate classification.
Comment: This variant is classified as likely benign based on ACMG/AMP sequence variant interpretation guidelines (Richards et al. 2015 PMID: 25741868, with internal and published modifications).

Genome Diagnostics Laboratory, Amsterdam University Medical Center
Classification: Likely benign. Review status: no assertion criteria provided. Collection method: clinical testing. Allele origin: germline. Affected: yes. Study: VKGL Data-share Consensus. Not counted in ClinVar's aggregate classification.

Joint Genome Diagnostic Labs from Nijmegen and Maastricht, Radboudumc and MUMC+
Classification: Likely benign. Review status: no assertion criteria provided. Collection method: clinical testing. Allele origin: germline. Affected: yes. Study: VKGL Data-share Consensus. Not counted in ClinVar's aggregate classification.

Literature cited by the submitters: PubMed 29768367 (cited by 3 submitters); PubMed 34426522 (cited by Mayo Clinic Laboratories, Mayo Clinic); PubMed 21461994 (cited by Women's Health and Genetics/Laboratory Corporation of America, LabCorp); PubMed 10582683 (cited by Women's Health and Genetics/Laboratory Corporation of America, LabCorp); PubMed 15505640 (cited by Women's Health and Genetics/Laboratory Corporation of America, LabCorp); PubMed 19401691 (cited by Women's Health and Genetics/Laboratory Corporation of America, LabCorp); PubMed 17575241 (cited by Women's Health and Genetics/Laboratory Corporation of America, LabCorp); PubMed 17613544 (cited by Women's Health and Genetics/Laboratory Corporation of America, LabCorp); PubMed 11746979 (cited by Women's Health and Genetics/Laboratory Corporation of America, LabCorp); PubMed 16204663 (cited by Women's Health and Genetics/Laboratory Corporation of America, LabCorp); PubMed 30487145 (cited by Women's Health and Genetics/Laboratory Corporation of America, LabCorp and Athena Diagnostics).